The following is an entry in ClinVar:

NM_000106.6(CYP2D6):c.496A>G (p.Asn166Asp)

Gene: CYP2D6 (cytochrome P450 family 2 subfamily D member 6 (gene/pseudogene); minus strand). Cytogenetic location: 22q13.2.
Variant type: single nucleotide variant.
Coding change: c.496A>G on transcript NM_000106.6 (MANE Select); coding-DNA position 496, A replaced by G.
Protein change: p.Asn166Asp; replaces asparagine 166 with aspartic acid.
Molecular consequence: missense variant. On other transcripts: intron variant (1).
Genome position (GRCh38, 1-based): chr22:42,129,042, T>C on the plus strand (A>G on the coding strand, the complement: CYP2D6 is on the minus strand). VCF-style: chr22-42129042-T-C. GRCh37 (hg19) VCF-style: chr22-42525044-T-C.
Other names: c.353-98A>G (NM_001025161.3); short protein forms N166D.
Identifiers: ClinVar variation 675907 (VCV000675907.36), dbSNP rs1135824, ClinGen allele CA10265095.

ClinVar aggregate classification (germline): Likely benign. Review status: criteria provided, multiple submitters, no conflicts (2 of 4 stars). 2 submissions from 2 submitters: Likely benign (2). Last evaluated 2024-07-01.

Allele frequency attached by ClinVar (database versions not stated): gnomAD exomes 0.00012 and 0.00014; 1000 Genomes Project 30x 0.00016; ExAC 0.00017; gnomAD 0.00027 and 0.00029.
gnomAD v4.1: 254 of 1,605,206 alleles (0.016%); highest among the groups gnomAD compares: Middle Eastern, 0.2%; 11 homozygotes.

Submissions (2):

CeGaT Center for Human Genetics Tuebingen
Classification: Likely benign. Last evaluated: 2024-07-01. Review status: criteria provided, single submitter. Criteria: CeGaT Center For Human Genetics Tuebingen Variant Classification Criteria Version 2. Collection method: clinical testing. Allele origin: germline. Affected: yes. Observed: 3 variant alleles.
Comment: CYP2D6: BP4, BS2

GeneDx
Classification: Likely benign. Last evaluated: 2018-04-12. Review status: criteria provided, single submitter. Criteria: GeneDx Variant Classification (06012015). Collection method: clinical testing. Allele origin: germline. Affected: yes.
Comment: This variant is considered likely benign or benign based on one or more of the following criteria: it is a conservative change, it occurs at a poorly conserved position in the protein, it is predicted to be benign by multiple in silico algorithms, and/or has population frequency not consistent with disease.